The following is an entry in ClinVar:

ClinVar aggregate classification (germline): Conflicting classifications of pathogenicity. Review status: criteria provided, conflicting classifications (1 of 4 stars). 4 submissions from 4 submitters: Uncertain significance (3); Likely benign (1). Last evaluated 2025-12-19.

Conditions:
Inborn genetic diseases. Identifiers: MedGen C0950123, MeSH D030342.

Allele frequency attached by ClinVar (database versions not stated): TOPMed 0.00002; gnomAD 0.00006; ExAC 0.00007; 1000 Genomes Project 30x 0.00016; 1000 Genomes Project 0.00020.

Submissions (4):

Labcorp Genetics (formerly Invitae), Labcorp
Classification: Uncertain significance. Last evaluated: 2025-12-19. Review status: criteria provided, single submitter. Criteria: Invitae Variant Classification Sherloc (09022015). Collection method: clinical testing. Allele origin: germline.
Comment: This sequence change replaces arginine, which is basic and polar, with tryptophan, which is neutral and slightly polar, at codon 688 of the DCHS1 protein (p.Arg688Trp). This variant is present in population databases (rs563576751, gnomAD 0.04%), including at least one homozygous and/or hemizygous individual. This variant has not been reported in the literature in individuals affected with DCHS1-related conditions. ClinVar contains an entry for this variant (Variation ID: 2588730). Invitae Evidence Modeling of protein sequence and biophysical properties (such as structural, functional, and spatial information, amino acid conservation, physicochemical variation, residue mobility, and thermodynamic stability) indicates that this missense variant is not expected to disrupt DCHS1 protein function with a negative predictive value of 80%. In summary, the available evidence is currently insufficient to determine the role of this variant in disease. Therefore, it has been classified as a Variant of Uncertain Significance.

Ambry Genetics
Classification: Uncertain significance for Inborn genetic diseases. Last evaluated: 2025-08-26. Review status: criteria provided, single submitter. Criteria: Ambry Variant Classification Scheme 2023. Collection method: clinical testing. Allele origin: germline.

CeGaT Center for Human Genetics Tuebingen
Classification: Likely benign. Last evaluated: 2024-08-01. Review status: criteria provided, single submitter. Criteria: CeGaT Center For Human Genetics Tuebingen Variant Classification Criteria Version 2. Collection method: clinical testing. Allele origin: germline. Affected: yes. Observed: 2 variant alleles.
Comment: DCHS1: BP4

GeneDx
Classification: Uncertain significance. Last evaluated: 2024-04-20. Review status: criteria provided, single submitter. Criteria: GeneDx Variant Classification Process June 2021. Collection method: clinical testing. Allele origin: germline. Affected: yes.
Comment: In silico analysis supports that this missense variant has a deleterious effect on protein structure/function; Has not been previously published as pathogenic or benign to our knowledge

NM_003737.4(DCHS1):c.2062C>T (p.Arg688Trp)

Gene: DCHS1 (dachsous cadherin-related 1; minus strand). Cytogenetic location: 11p15.4.
Variant type: single nucleotide variant.
Coding change: c.2062C>T on transcript NM_003737.4 (MANE Select); coding-DNA position 2062, C replaced by T.
Protein change: p.Arg688Trp; replaces arginine 688 with tryptophan.
Molecular consequence: missense variant.
Genome position (GRCh38, 1-based): chr11:6,633,945, G>A on the plus strand (C>T on the coding strand, the complement: DCHS1 is on the minus strand). VCF-style: chr11-6633945-G-A. GRCh37 (hg19) VCF-style: chr11-6655176-G-A.
Other names: c.2062C>T (NM_003737.3); short protein forms R688W.
Identifiers: ClinVar variation 2588730 (VCV002588730.24), dbSNP rs563576751, ClinGen allele CA5860818.